The following is an entry in ClinVar:

NM_000090.4(COL3A1):c.1608+13_1608+16del

Gene: COL3A1 (collagen type III alpha 1 chain; plus strand). Cytogenetic location: 2q32.2.
Variant type: Deletion.
Coding change: c.1608+13_1608+16del on transcript NM_000090.4 (MANE Select); bases 13 to 16 of the intron after coding-DNA position 1608, 4 bases deleted (ATTT; older notation c.1608+13_1608+16delATTT).
Molecular consequence: intron variant.
Genome position (GRCh38, 1-based): chr2:188,995,803-188,995,806, ATTT deleted. VCF-style (leftmost placement, unchanged base first): chr2-188995802-CATTT-C. GRCh37 (hg19) VCF-style: chr2-189860528-CATTT-C.
Other names: c.1608+13_1608+16delATTT (NM_000090.4).
Identifiers: ClinVar variation 4776293 (VCV004776293.2).

ClinVar aggregate classification (germline): Likely benign. Review status: criteria provided, multiple submitters, no conflicts (2 of 4 stars). 2 submissions from 2 submitters: Likely benign (2). Last evaluated 2026-06-08.

Conditions:
Ehlers-Danlos syndrome, type 4 (EDSVASC). Also called: Ehlers-Danlos syndrome vascular type; Ehlers Danlos syndrome, ecchymotic type; Ehlers Danlos syndrome, arterial type; Ehlers Danlos syndrome, Sack-Barabas type; Ehlers-Danlos Syndrome Type IV. Identifiers: Orphanet 286, MedGen C0268338, MONDO:0017314, OMIM 130050.

Submissions (2):

Women's Health and Genetics/Laboratory Corporation of America, LabCorp
Classification: Likely benign. Last evaluated: 2026-06-08. Review status: criteria provided, single submitter. Criteria: LabCorp Variant Classification Summary - May 2015. Collection method: clinical testing. Allele origin: germline.
Comment: Variant summary: COL3A1 c.1608+13_1608+16delATTT alters a nucleotide located at a position not widely known to affect splicing. Consensus agreement among computation tools predict no significant impact on normal splicing. However, these predictions have yet to be confirmed by functional studies. The variant was absent in 159472 control chromosomes. The available data on variant occurrences in the general population are insufficient to allow any conclusion about variant significance. To our knowledge, no occurrence of c.1608+13_1608+16delATTT in individuals affected with COL3A1-related conditions and no experimental evidence demonstrating its impact on protein function have been reported. ClinVar contains an entry for this variant (Variation ID: 4776293). Based on the evidence outlined above, the variant was classified as likely benign.

Labcorp Genetics (formerly Invitae), Labcorp
Classification: Likely benign for Ehlers-Danlos syndrome, type 4. Last evaluated: 2025-10-17. Review status: criteria provided, single submitter. Criteria: Invitae Variant Classification Sherloc (09022015). Collection method: clinical testing. Allele origin: germline.